The following is an entry in ClinVar:

ClinVar aggregate classification (germline): Conflicting classifications of pathogenicity. Review status: criteria provided, conflicting classifications (1 of 4 stars). 3 submissions from 3 submitters: Uncertain significance (1); Likely benign (2). Last evaluated 2026-07-21.

Conditions:
Familial thoracic aortic aneurysm and aortic dissection (TAAD). Also called: Thoracic aortic aneurysms and dissections. Identifiers: Orphanet 91387, MedGen C4707243, MONDO:0019625.
Ehlers-Danlos syndrome, classic type, 1 (EDSCL1). Also called: EHLERS-DANLOS SYNDROME, GRAVIS TYPE; EHLERS-DANLOS SYNDROME, SEVERE CLASSIC TYPE; Ehlers-Danlos Syndrome, Classic Type, COL5A1-Related; Ehlers-Danlos syndrome, type 1; EDS I. Identifiers: MedGen C0268335, MONDO:0019567, OMIM 130000.
COL5A2-related disorder. Also called: COL5A2-related condition.

Allele frequency attached by ClinVar (database versions not stated): gnomAD exomes below 0.00001; ExAC 0.00003.
gnomAD v4.1: 10 of 1,614,162 alleles (0.00062%); highest among the groups gnomAD compares: South Asian, 0.0077%; no homozygotes.

Submissions (3):

Ambry Genetics
Classification: Likely benign for Familial thoracic aortic aneurysm and aortic dissection. Last evaluated: 2026-07-21. Review status: criteria provided, single submitter. Criteria: Ambry Variant Classification Scheme 2023. Collection method: clinical testing. Allele origin: germline.

Labcorp Genetics (formerly Invitae), Labcorp
Classification: Likely benign for Ehlers-Danlos syndrome, classic type, 1. Last evaluated: 2025-07-13. Review status: criteria provided, single submitter. Criteria: Invitae Variant Classification Sherloc (09022015). Collection method: clinical testing. Allele origin: germline.

PreventionGenetics, part of Exact Sciences
Classification: Uncertain significance for COL5A2-related condition. Last evaluated: 2023-08-01. Review status: criteria provided, single submitter. Criteria: ACMG Guidelines, 2015. Collection method: clinical testing. Allele origin: germline.
Comment: The COL5A2 c.167C>T variant is predicted to result in the amino acid substitution p.Pro56Leu. To our knowledge, this variant has not been reported in the literature. This variant is reported in 0.023% of alleles in individuals of South Asian descent in gnomAD. At this time, the clinical significance of this variant is uncertain due to the absence of conclusive functional and genetic evidence.

NM_000393.5(COL5A2):c.167C>T (p.Pro56Leu)

Gene: COL5A2 (collagen type V alpha 2 chain; minus strand). Cytogenetic location: 2q32.2.
Variant type: single nucleotide variant.
Coding change: c.167C>T on transcript NM_000393.5 (MANE Select); coding-DNA position 167, C replaced by T.
Protein change: p.Pro56Leu; replaces proline 56 with leucine.
Molecular consequence: missense variant.
Genome position (GRCh38, 1-based): chr2:189,110,380, G>A on the plus strand (C>T on the coding strand, the complement: COL5A2 is on the minus strand). VCF-style: chr2-189110380-G-A. GRCh37 (hg19) VCF-style: chr2-189975106-G-A.
Other names: c.167C>T (NM_000393.3); short protein forms P56L.
Identifiers: ClinVar variation 2628905 (VCV002628905.4), dbSNP rs765019090, ClinGen allele CA2023184.